The following is an entry in ClinVar:

NM_002693.3(POLG):c.659+1G>T

Genes: POLG (DNA polymerase gamma, catalytic subunit; minus strand), POLGARF (POLG alternative reading frame; minus strand). Cytogenetic location: 15q26.1.
Variant type: single nucleotide variant.
Coding change: c.659+1G>T on transcript NM_002693.3 (MANE Select); the canonical splice donor site of the intron after coding-DNA position 659, G replaced by T.
Molecular consequence: splice donor variant.
Genome position (GRCh38, 1-based): chr15:89,333,095, C>A on the plus strand (G>T on the coding strand, the complement: POLG is on the minus strand). VCF-style: chr15-89333095-C-A. GRCh37 (hg19) VCF-style: chr15-89876326-C-A.
Other names: c.659+1G>T (NM_001126131.2).
Identifiers: ClinVar variation 2054920 (VCV002054920.4), dbSNP rs1348641548, ClinGen allele CA393770103.

ClinVar aggregate classification (germline): Likely pathogenic (1 of 4 stars; one submission).

Conditions:
Progressive sclerosing poliodystrophy (MTDPS4A). Also called: Mitochondrial DNA Depletion Syndrome 4A; Alpers-Huttenlocher Syndrome (AHS); ALPERS PROGRESSIVE INFANTILE POLIODYSTROPHY; NEURONAL DEGENERATION OF CHILDHOOD WITH LIVER DISEASE, PROGRESSIVE; Alpers Syndrome; ALPERS DIFFUSE DEGENERATION OF CEREBRAL GRAY MATTER WITH HEPATIC CIRRHOSIS. Identifiers: Orphanet 726, MedGen C0205710, MONDO:0008758, OMIM 203700.

Submission:

Labcorp Genetics (formerly Invitae), Labcorp
Classification: Likely pathogenic for Progressive sclerosing poliodystrophy. Last evaluated: 2025-04-14. Review status: criteria provided, single submitter. Criteria: Invitae Variant Classification Sherloc (09022015). Collection method: clinical testing. Allele origin: germline.
Comment: This sequence change affects a donor splice site in intron 2 of the POLG gene. It is expected to disrupt RNA splicing. Variants that disrupt the donor or acceptor splice site typically lead to a loss of protein function (PMID: 16199547), and loss-of-function variants in POLG are known to be pathogenic (PMID: 18546365). This variant is not present in population databases (gnomAD no frequency). This variant has not been reported in the literature in individuals affected with POLG-related conditions. ClinVar contains an entry for this variant (Variation ID: 2054920). Algorithms developed to predict the effect of sequence changes on RNA splicing suggest that this variant may disrupt the consensus splice site. In summary, the currently available evidence indicates that the variant is pathogenic, but additional data are needed to prove that conclusively. Therefore, this variant has been classified as Likely Pathogenic.

Literature cited by the submitters: PubMed 16199547; PubMed 18546365.